The following is an entry in ClinVar:

ClinVar aggregate classification (germline): Uncertain significance (1 of 4 stars; one submission).

Submission:

GeneDx
Classification: Uncertain significance. Last evaluated: 2025-09-21. Review status: criteria provided, single submitter. Criteria: GeneDx Variant Classification Process June 2021. Collection method: clinical testing. Allele origin: germline. Affected: yes.
Comment: Not observed at significant frequency in large population cohorts (gnomAD); Has not been previously published as pathogenic or benign to our knowledge; In silico analysis is inconclusive as to whether the variant alters gene splicing. In the absence of RNA/functional studies, the actual effect of this sequence change is unknown.

NM_003660.4(PPFIA3):c.2809-8del

Gene: PPFIA3 (PPFI scaffold protein A3; plus strand). Cytogenetic location: 19q13.33.
Variant type: Deletion.
Coding change: c.2809-8del on transcript NM_003660.4 (MANE Select); 8 bases into the intron before coding-DNA position 2809, one base deleted (C; older notation c.2809-8delC).
Molecular consequence: intron variant.
Genome position (GRCh38, 1-based): chr19:49,146,158, C deleted. VCF-style (leftmost placement, unchanged base first): chr19-49146157-AC-A. GRCh37 (hg19) VCF-style: chr19-49649414-AC-A.
Identifiers: ClinVar variation 4813886 (VCV004813886.1).